The following is an entry in ClinVar:

NM_001605.3(AARS1):c.1953G>C (p.Lys651Asn)

Gene: AARS1 (alanyl-tRNA synthetase 1; minus strand). Cytogenetic location: 16q22.1.
Variant type: single nucleotide variant.
Coding change: c.1953G>C on transcript NM_001605.3 (MANE Select); coding-DNA position 1953, G replaced by C.
Protein change: p.Lys651Asn; replaces lysine 651 with asparagine.
Molecular consequence: missense variant.
Genome position (GRCh38, 1-based): chr16:70,259,019, C>G on the plus strand (G>C on the coding strand, the complement: AARS1 is on the minus strand). VCF-style: chr16-70259019-C-G. GRCh37 (hg19) VCF-style: chr16-70292922-C-G.
Other names: short protein forms K651N.
Identifiers: ClinVar variation 543236 (VCV000543236.10), dbSNP rs771099188, ClinGen allele CA396557974.

ClinVar aggregate classification (germline): Uncertain significance (1 of 4 stars; one submission).

Conditions:
Charcot-Marie-Tooth disease type 2. Also called: Charcot-Marie-Tooth type 2. Identifiers: Orphanet 64746, MedGen C0270914, MONDO:0018993.

gnomAD v4.1: 1 of 1,614,088 alleles (0.000062%); highest among the groups gnomAD compares: Non-Finnish European, 0.000085%; no homozygotes.

Submission:

Labcorp Genetics (formerly Invitae), Labcorp
Classification: Uncertain significance for Charcot-Marie-Tooth disease type 2. Last evaluated: 2023-10-24. Review status: criteria provided, single submitter. Criteria: Invitae Variant Classification Sherloc (09022015). Collection method: clinical testing. Allele origin: germline.
Comment: This sequence change replaces lysine, which is basic and polar, with asparagine, which is neutral and polar, at codon 651 of the AARS protein (p.Lys651Asn). This variant is not present in population databases (gnomAD no frequency). This variant has not been reported in the literature in individuals affected with AARS-related conditions. ClinVar contains an entry for this variant (Variation ID: 543236). Advanced modeling of protein sequence and biophysical properties (such as structural, functional, and spatial information, amino acid conservation, physicochemical variation, residue mobility, and thermodynamic stability) performed at Invitae indicates that this missense variant is not expected to disrupt AARS protein function with a negative predictive value of 95%. In summary, the available evidence is currently insufficient to determine the role of this variant in disease. Therefore, it has been classified as a Variant of Uncertain Significance.